The following is an entry in ClinVar:

ClinVar aggregate classification (germline): Pathogenic (1 of 4 stars; one submission).

Conditions:
Ornithine aminotransferase deficiency (GACR). Also called: HYPERORNITHINEMIA WITH GYRATE ATROPHY OF CHOROID AND RETINA; OAT DEFICIENCY; OKT DEFICIENCY; Ornithine ketoacid aminotransferase deficiency; Gyrate atrophy; Gyrate atrophy of choroid and retina. Identifiers: Orphanet 414, MedGen C0018425, MONDO:0009796, OMIM 258870.

Submission:

Greenwood Genetic Center Diagnostic Laboratories, Greenwood Genetic Center
Classification: Pathogenic for Ornithine aminotransferase deficiency. Last evaluated: 2024-04-15. Review status: criteria provided, single submitter. Criteria: ACMG Guidelines, 2015. Collection method: clinical testing. Allele origin: germline. Affected: yes.
Comment: PVS1, PS3_Moderate, PM2

NM_000274.4(OAT):c.648+2T>C

Gene: OAT (ornithine aminotransferase; minus strand). Cytogenetic location: 10q26.13.
Variant type: single nucleotide variant.
Coding change: c.648+2T>C on transcript NM_000274.4 (MANE Select); the canonical splice donor site of the intron after coding-DNA position 648, T replaced by C.
Molecular consequence: splice donor variant.
Genome position (GRCh38, 1-based): chr10:124,405,434, A>G on the plus strand (T>C on the coding strand, the complement: OAT is on the minus strand). VCF-style: chr10-124405434-A-G. GRCh37 (hg19) VCF-style: chr10-126094003-A-G.
Other names: c.648+2T>C (NM_001322965.2, NM_001322969.2, NM_001322966.2 and 3 more transcripts); c.234+2T>C (NM_001171814.2); c.48+2T>C (NM_001322974.2); c.327+2T>C (NM_001322971.2).
Identifiers: ClinVar variation 3338589 (VCV003338589.1).